The following is an entry in ClinVar:

ClinVar aggregate classification (germline): Uncertain significance (1 of 4 stars; one submission).

Submission:

Greenwood Genetic Center Diagnostic Laboratories, Greenwood Genetic Center
Classification: Uncertain significance. Last evaluated: 2024-09-19. Review status: criteria provided, single submitter. Criteria: ACMG Guidelines, 2015. Collection method: clinical testing. Allele origin: germline. Affected: yes.
Comment: PM2

NM_000489.6(ATRX):c.4931G>T (p.Gly1644Val)

Gene: ATRX (ATRX chromatin remodeler; minus strand). Cytogenetic location: Xq21.1.
Variant type: single nucleotide variant.
Coding change: c.4931G>T on transcript NM_000489.6 (MANE Select); coding-DNA position 4931, G replaced by T.
Protein change: p.Gly1644Val; replaces glycine 1644 with valine.
Molecular consequence: missense variant.
Genome position (GRCh38, 1-based): chrX:77,633,591, C>A on the plus strand (G>T on the coding strand, the complement: ATRX is on the minus strand). VCF-style: chrX-77633591-C-A. GRCh37 (hg19) VCF-style: chrX-76889079-C-A.
Other names: c.4817G>T, p.Gly1606Val (NM_138270.5); short protein forms G1606V, G1644V.
Identifiers: ClinVar variation 3765652 (VCV003765652.1).